The following is an entry in ClinVar:

ClinVar aggregate classification (germline): Uncertain significance (1 of 4 stars; one submission).

gnomAD v4.1: 2 of 1,495,508 alleles (0.00013%); highest among the groups gnomAD compares: South Asian, 0.0012%; no homozygotes.

Submission:

Women's Health and Genetics/Laboratory Corporation of America, LabCorp
Classification: Uncertain significance. Last evaluated: 2024-03-11. Review status: criteria provided, single submitter. Criteria: LabCorp Variant Classification Summary - May 2015. Collection method: clinical testing. Allele origin: germline.
Comment: Variant summary: TWIST2 c.29C>T (p.Ser10Phe) results in a non-conservative amino acid change in the encoded protein sequence. Four of five in-silico tools predict a damaging effect of the variant on protein function. The variant allele was found at a frequency of 8.9e-06 in 112826 control chromosomes. The available data on variant occurrences in the general population are insufficient to allow any conclusion about variant significance. To our knowledge, no occurrence of c.29C>T in individuals affected with TWIST2-Related Disorders and no experimental evidence demonstrating its impact on protein function have been reported. No submitters have cited clinical-significance assessments for this variant to ClinVar. Based on the evidence outlined above, the variant was classified as uncertain significance.

NM_001271893.4(TWIST2):c.29C>T (p.Ser10Phe)

Gene: TWIST2 (twist family bHLH transcription factor 2; plus strand). Cytogenetic location: 2q37.3.
Variant type: single nucleotide variant.
Coding change: c.29C>T on transcript NM_001271893.4 (MANE Select); coding-DNA position 29, C replaced by T.
Protein change: p.Ser10Phe; replaces serine 10 with phenylalanine.
Molecular consequence: missense variant.
Genome position (GRCh38, 1-based): chr2:238,848,244, C>T. VCF-style: chr2-238848244-C-T. GRCh37 (hg19) VCF-style: chr2-239756885-C-T.
Other names: c.29C>T, p.Ser10Phe (NM_057179.3); short protein forms S10F.
Identifiers: ClinVar variation 3233510 (VCV003233510.2), dbSNP rs1275864437, ClinGen allele CA351462430.